The following is an entry in ClinVar:

NM_020297.4(ABCC9):c.3227T>C (p.Ile1076Thr)

Gene: ABCC9 (ATP binding cassette subfamily C member 9; minus strand). Cytogenetic location: 12p12.1.
Variant type: single nucleotide variant.
Coding change: c.3227T>C on transcript NM_020297.4 (MANE Select); coding-DNA position 3227, T replaced by C.
Protein change: p.Ile1076Thr; replaces isoleucine 1076 with threonine.
Molecular consequence: missense variant.
Genome position (GRCh38, 1-based): chr12:21,844,785, A>G on the plus strand (T>C on the coding strand, the complement: ABCC9 is on the minus strand). VCF-style: chr12-21844785-A-G. GRCh37 (hg19) VCF-style: chr12-21997719-A-G.
Other names: c.3227T>C, p.Ile1076Thr (NM_001377273.1, NM_005691.4); c.2360T>C, p.Ile787Thr (NM_001377274.1); short protein forms I1076T, I787T.
Identifiers: ClinVar variation 1025040 (VCV001025040.11), dbSNP rs1356591712, ClinGen allele CA384118352.

ClinVar aggregate classification (germline): Uncertain significance. Review status: criteria provided, multiple submitters, no conflicts (2 of 4 stars). 3 submissions from 3 submitters: Uncertain significance (3). Last evaluated 2025-07-20.

Conditions:
Dilated cardiomyopathy 1O (CMD1O). Also called: CARDIOMYOPATHY, DILATED, WITH VENTRICULAR TACHYCARDIA. Identifiers: Orphanet 154, MedGen C1837839, MONDO:0012062, OMIM 608569.
Cardiovascular phenotype. Identifiers: MedGen CN230736.

Allele frequency attached by ClinVar (database versions not stated): gnomAD 0.00001; gnomAD exomes 0.00001; TOPMed 0.00001.
gnomAD v4.1: 6 of 1,613,892 alleles (0.00037%); highest among the groups gnomAD compares: Non-Finnish European, 0.00051%; no homozygotes.

Submissions (3):

Labcorp Genetics (formerly Invitae), Labcorp
Classification: Uncertain significance for Dilated cardiomyopathy 1O. Last evaluated: 2025-07-20. Review status: criteria provided, single submitter. Criteria: Invitae Variant Classification Sherloc (09022015). Collection method: clinical testing. Allele origin: germline.
Comment: This sequence change replaces isoleucine, which is neutral and non-polar, with threonine, which is neutral and polar, at codon 1076 of the ABCC9 protein (p.Ile1076Thr). This variant is present in population databases (no rsID available, gnomAD 0.007%). This variant has not been reported in the literature in individuals affected with ABCC9-related conditions. ClinVar contains an entry for this variant (Variation ID: 1025040). Invitae Evidence Modeling of protein sequence and biophysical properties (such as structural, functional, and spatial information, amino acid conservation, physicochemical variation, residue mobility, and thermodynamic stability) has been performed for this missense variant. However, the output from this modeling did not meet the statistical confidence thresholds required to predict the impact of this variant on ABCC9 protein function. In summary, the available evidence is currently insufficient to determine the role of this variant in disease. Therefore, it has been classified as a Variant of Uncertain Significance.

Ambry Genetics
Classification: Uncertain significance for Cardiovascular phenotype. Last evaluated: 2024-12-02. Review status: criteria provided, single submitter. Criteria: Ambry Variant Classification Scheme 2023. Collection method: clinical testing. Allele origin: germline.
Comment: The p.I1076T variant (also known as c.3227T>C), located in coding exon 25 of the ABCC9 gene, results from a T to C substitution at nucleotide position 3227. The isoleucine at codon 1076 is replaced by threonine, an amino acid with similar properties. This amino acid position is highly conserved in available vertebrate species. In addition, this alteration is predicted to be deleterious by in silico analysis. Based on the available evidence, the clinical significance of this variant remains unclear.

GeneDx
Classification: Uncertain significance. Last evaluated: 2021-12-09. Review status: criteria provided, single submitter. Criteria: GeneDx Variant Classification Process June 2021. Collection method: clinical testing. Allele origin: germline. Affected: yes.
Comment: Has not been previously published as pathogenic or benign to our knowledge; Not observed at a significant frequency in large population cohorts (Lek et al., 2016); In silico analysis supports that this missense variant has a deleterious effect on protein structure/function; Reported in ClinVar as a variant of uncertain significance (ClinVar Variant ID# 1025040; Landrum et al., 2016)